The following is an entry in ClinVar:

ClinVar aggregate classification (germline): Conflicting classifications of pathogenicity. Review status: criteria provided, conflicting classifications (1 of 4 stars). 3 submissions from 3 submitters: Uncertain significance (2); Likely benign (1). Last evaluated 2022-10-13.

Conditions:
Intestinal hypomagnesemia 1. Also called: HYPOMAGNESEMIA, INTESTINAL, WITH SECONDARY HYPOCALCEMIA; HYPOMAGNESEMIC TETANY. Identifiers: Orphanet 30924, MedGen C1865974, MONDO:0011176, OMIM 602014.
Inborn genetic diseases. Identifiers: MedGen C0950123, MeSH D030342.

Allele frequency attached by ClinVar (database versions not stated): TOPMed 0.00010; gnomAD exomes 0.00012; gnomAD 0.00016 and 0.00018; ExAC 0.00018; 1000 Genomes Project 30x 0.00047; 1000 Genomes Project 0.00060.
gnomAD v4.1: 196 of 1,613,828 alleles (0.012%); highest among the groups gnomAD compares: South Asian, 0.14%; no homozygotes.

Submissions (3):

Labcorp Genetics (formerly Invitae), Labcorp
Classification: Uncertain significance. Last evaluated: 2022-10-13. Review status: criteria provided, single submitter. Criteria: Invitae Variant Classification Sherloc (09022015). Collection method: clinical testing. Allele origin: germline.
Comment: This sequence change replaces threonine, which is neutral and polar, with methionine, which is neutral and non-polar, at codon 88 of the TRPM6 protein (p.Thr88Met). This variant is present in population databases (rs191344898, gnomAD 0.1%). This variant has not been reported in the literature in individuals affected with TRPM6-related conditions. ClinVar contains an entry for this variant (Variation ID: 367330). Algorithms developed to predict the effect of missense changes on protein structure and function output the following: SIFT: "Tolerated"; PolyPhen-2: "Benign"; Align-GVGD: "Class C0". The methionine amino acid residue is found in multiple mammalian species, which suggests that this missense change does not adversely affect protein function. In summary, the available evidence is currently insufficient to determine the role of this variant in disease. Therefore, it has been classified as a Variant of Uncertain Significance.

Ambry Genetics
Classification: Likely benign for Inborn genetic diseases. Last evaluated: 2022-01-27. Review status: criteria provided, single submitter. Criteria: Ambry Variant Classification Scheme 2023. Collection method: clinical testing. Allele origin: germline.

Illumina Laboratory Services, Illumina
Classification: Uncertain significance for Intestinal hypomagnesemia 1. Last evaluated: 2018-01-13. Review status: criteria provided, single submitter. Criteria: ICSL Variant Classification Criteria 13 December 2019. Collection method: clinical testing. Allele origin: germline.

NM_017662.5(TRPM6):c.263C>T (p.Thr88Met)

Gene: TRPM6 (transient receptor potential cation channel subfamily M member 6; minus strand). Cytogenetic location: 9q21.13.
Variant type: single nucleotide variant.
Coding change: c.263C>T on transcript NM_017662.5 (MANE Select); coding-DNA position 263, C replaced by T.
Protein change: p.Thr88Met; replaces threonine 88 with methionine.
Molecular consequence: missense variant.
Genome position (GRCh38, 1-based): chr9:74,842,233, G>A on the plus strand (C>T on the coding strand, the complement: TRPM6 is on the minus strand). VCF-style: chr9-74842233-G-A. GRCh37 (hg19) VCF-style: chr9-77457149-G-A.
Other names: c.248C>T, p.Thr83Met (NM_001177310.2, NM_001177311.2); short protein forms T88M, T83M.
Identifiers: ClinVar variation 367330 (VCV000367330.7), dbSNP rs191344898, ClinGen allele CA5085182.